The following is an entry in ClinVar:

ClinVar aggregate classification (germline): Likely benign (1 of 4 stars; one submission).

Allele frequency attached by ClinVar (database versions not stated): gnomAD 0.00010; TOPMed 0.00012; ExAC 0.00013; 1000 Genomes Project 30x 0.00016; 1000 Genomes Project 0.00020.
gnomAD v4.1: 70 of 1,562,484 alleles (0.0045%); highest among the groups gnomAD compares: East Asian, 0.12%; no homozygotes.

Submission:

CeGaT Center for Human Genetics Tuebingen
Classification: Likely benign. Last evaluated: 2024-08-01. Review status: criteria provided, single submitter. Criteria: CeGaT Center For Human Genetics Tuebingen Variant Classification Criteria Version 2. Collection method: clinical testing. Allele origin: germline. Affected: yes. Observed: 2 variant alleles.
Comment: CNOT2: BP4, BS1

NM_014515.7(CNOT2):c.1179-3C>T

Gene: CNOT2 (CCR4-NOT transcription complex subunit 2; plus strand). Cytogenetic location: 12q15.
Variant type: single nucleotide variant.
Coding change: c.1179-3C>T on transcript NM_014515.7 (MANE Select); 3 bases into the intron before coding-DNA position 1179, C replaced by T.
Molecular consequence: intron variant.
Genome position (GRCh38, 1-based): chr12:70,342,104, C>T. VCF-style: chr12-70342104-C-T. GRCh37 (hg19) VCF-style: chr12-70735884-C-T.
Other names: c.1179-3C>T (NM_001199302.2, NM_001414652.1, NM_001199303.2 and 1 more transcripts); c.1152-3C>T (NM_001414655.1, NM_001414653.1, NM_001414654.1); c.1119-3C>T (NM_001414660.1, NM_001414657.1, NM_001414659.1 and 1 more transcripts); c.996-3C>T (NM_001414662.1); c.1137-3C>T (NM_001414656.1); c.1056-3C>T (NM_001414661.1).
Identifiers: ClinVar variation 3250774 (VCV003250774.18), dbSNP rs566631770.